The following is an entry in ClinVar:

NM_002769.5(PRSS1):c.561C>T (p.Gly187=)

Genes: PRSS1 (serine protease 1; plus strand), TRB (T cell receptor beta locus; plus strand). Cytogenetic location: 7q34.
Variant type: single nucleotide variant.
Coding change: c.561C>T on transcript NM_002769.5 (MANE Select); coding-DNA position 561, C replaced by T.
Protein change: p.Gly187=; no amino-acid change (glycine 187 retained).
Molecular consequence: synonymous variant.
Genome position (GRCh38, 1-based): chr7:142,752,537, C>T. VCF-style: chr7-142752537-C-T. GRCh37 (hg19) VCF-style: chr7-142460388-C-T.
Identifiers: ClinVar variation 440197 (VCV000440197.17), dbSNP rs1804561, ClinGen allele CA4530062.

ClinVar aggregate classification (germline): Conflicting classifications of pathogenicity. Review status: criteria provided, conflicting classifications (1 of 4 stars). 3 submissions from 3 submitters: Uncertain significance (1); Likely benign (2). Last evaluated 2024-04-26.

Conditions:
Hereditary pancreatitis (PCTT). Also called: PRSS1-Related Hereditary Pancreatitis; Hereditary chronic pancreatitis. Identifiers: Orphanet 676, MedGen C0238339, MONDO:0008185, OMIM 167800.

Allele frequency attached by ClinVar (database versions not stated): gnomAD 0.00001; gnomAD exomes 0.00001; ExAC 0.00965.
gnomAD v4.1: 17 of 1,614,012 alleles (0.0011%); highest among the groups gnomAD compares: Middle Eastern, 0.016%; no homozygotes.

Submissions (3):

Ambry Genetics
Classification: Uncertain significance for Hereditary pancreatitis. Last evaluated: 2024-04-26. Review status: criteria provided, single submitter. Criteria: Ambry Variant Classification Scheme 2023. Collection method: clinical testing. Allele origin: germline.
Comment: The c.561C>T variant (also known as p.G187G), located in coding exon 4 of the PRSS1 gene, results from a C to T substitution at nucleotide position 561. This nucleotide substitution does not change the glycine at codon 187. This nucleotide position is not well conserved in available vertebrate species. In silico splice site analysis predicts that this alteration will result in the creation or strengthening of a novel splice donor site. Based on the available evidence, the clinical significance of this variant remains unclear.

Labcorp Genetics (formerly Invitae), Labcorp
Classification: Likely benign for Hereditary pancreatitis. Last evaluated: 2023-04-28. Review status: criteria provided, single submitter. Criteria: Invitae Variant Classification Sherloc (09022015). Collection method: clinical testing. Allele origin: germline.

ARUP Laboratories, Molecular Genetics and Genomics, ARUP Laboratories
Classification: Likely benign. Last evaluated: 2016-11-01. Review status: criteria provided, single submitter. Criteria: ARUP Molecular Germline Variant Investigation Process. Collection method: clinical testing. Allele origin: germline.